The following is an entry in ClinVar:

ClinVar aggregate classification (germline): Uncertain significance (1 of 4 stars; one submission).

Allele frequency attached by ClinVar (database versions not stated): gnomAD exomes below 0.00001; TOPMed below 0.00001.

Submission:

Labcorp Genetics (formerly Invitae), Labcorp
Classification: Uncertain significance. Last evaluated: 2023-09-08. Review status: criteria provided, single submitter. Criteria: Invitae Variant Classification Sherloc (09022015). Collection method: clinical testing. Allele origin: germline.
Comment: This sequence change replaces aspartic acid, which is acidic and polar, with valine, which is neutral and non-polar, at codon 872 of the AP3D1 protein (p.Asp872Val). This variant is present in population databases (no rsID available, gnomAD 0.004%). This variant has not been reported in the literature in individuals affected with AP3D1-related conditions. In summary, the available evidence is currently insufficient to determine the role of this variant in disease. Therefore, it has been classified as a Variant of Uncertain Significance. Algorithms developed to predict the effect of missense changes on protein structure and function output the following: SIFT: "Not Available"; PolyPhen-2: "Possibly Damaging"; Align-GVGD: "Not Available". The valine amino acid residue is found in multiple mammalian species, which suggests that this missense change does not adversely affect protein function.

NM_001261826.3(AP3D1):c.2615A>T (p.Asp872Val)

Gene: AP3D1 (adaptor related protein complex 3 subunit delta 1; minus strand). Cytogenetic location: 19p13.3.
Variant type: single nucleotide variant.
Coding change: c.2615A>T on transcript NM_001261826.3 (MANE Select); coding-DNA position 2615, A replaced by T.
Protein change: p.Asp872Val; replaces aspartic acid 872 with valine.
Molecular consequence: missense variant. On other transcripts: intron variant (1).
Genome position (GRCh38, 1-based): chr19:2,113,400, T>A on the plus strand (A>T on the coding strand, the complement: AP3D1 is on the minus strand). VCF-style: chr19-2113400-T-A. GRCh37 (hg19) VCF-style: chr19-2113399-T-A.
Other names: c.2615A>T, p.Asp872Val (NM_001374799.1); c.2601+725A>T (NM_003938.8); short protein forms D872V.
Identifiers: ClinVar variation 2992150 (VCV002992150.3), dbSNP rs1188329293, ClinGen allele CA403207433.